The following is an entry in ClinVar:

ClinVar aggregate classification (germline): Likely benign. Review status: criteria provided, multiple submitters, no conflicts (2 of 4 stars). 2 submissions from 2 submitters: Likely benign (2). Last evaluated 2024-08-30.

Conditions:
Cardiovascular phenotype. Identifiers: MedGen CN230736.
Catecholaminergic polymorphic ventricular tachycardia (CVPT). Also called: Catecholamine-induced polymorphic ventricular tachycardia. Identifiers: Orphanet 3286, MedGen C5574922, MONDO:0017990.

Allele frequency attached by ClinVar (database versions not stated): gnomAD exomes 0.00001.
gnomAD v4.1: 18 of 1,613,912 alleles (0.0011%); highest among the groups gnomAD compares: South Asian, 0.0088%; no homozygotes.

Submissions (2):

All of Us Research Program, National Institutes of Health
Classification: Likely benign for Catecholaminergic polymorphic ventricular tachycardia. Last evaluated: 2024-08-30. Review status: criteria provided, single submitter. Criteria: ACMG Guidelines, 2015. Collection method: clinical testing. Allele origin: germline. Inheritance: Autosomal dominant inheritance. Observed: 3 variant alleles, 3 heterozygotes.
Comment: This study involves interpretation of variants in research participants for the purpose of population health screening. Participant phenotype was not available at the time of variant classification. Additional details can be found in publication PMID: 35346344, PMCID: PMC8962531

Ambry Genetics
Classification: Likely benign for Cardiovascular phenotype. Last evaluated: 2020-04-06. Review status: criteria provided, single submitter. Criteria: Ambry Variant Classification Scheme 2023. Collection method: clinical testing. Allele origin: germline.

NM_001035.3(RYR2):c.606C>T (p.His202=)

Gene: RYR2 (ryanodine receptor 2; plus strand). Cytogenetic location: 1q43.
Variant type: single nucleotide variant.
Coding change: c.606C>T on transcript NM_001035.3 (MANE Select); coding-DNA position 606, C replaced by T.
Protein change: p.His202=; no amino-acid change (histidine 202 retained).
Molecular consequence: synonymous variant.
Genome position (GRCh38, 1-based): chr1:237,387,310, C>T. VCF-style: chr1-237387310-C-T. GRCh37 (hg19) VCF-style: chr1-237550610-C-T.
Identifiers: ClinVar variation 1751379 (VCV001751379.3), dbSNP rs1438256315, ClinGen allele CA423809223.
Genomic context (GRCh38, chr1:237,387,310, plus strand): 5'-AAGTGATGCCTCCTTTTGCCTCTTGATACAGCACTTGTCTTATGGCAACGGCAGCTTACA[C>T]GTGGATGCCGCTTTCCAGCAGACTCTCTGGAGCGTGGCCCCAATCAGCTCAGGAAGTGAG-3'
Protein context (NP_001026.2, residues 192-212): LHLSYGNGSL[His202=]VDAAFQQTLW